The following is an entry in ClinVar:

ClinVar aggregate classification (germline): Conflicting classifications of pathogenicity. Review status: criteria provided, conflicting classifications (1 of 4 stars). 2 submissions from 2 submitters: Uncertain significance (1); Likely benign (1). Last evaluated 2026-05-14.

Conditions:
Cardiovascular phenotype. Identifiers: MedGen CN230736.
Capillary malformation-arteriovenous malformation syndrome. Also called: Capillary malformation-arteriovenous malformation. Identifiers: Orphanet 137667, MedGen C1842180, MONDO:0012016.

Allele frequency attached by ClinVar (database versions not stated): gnomAD exomes below 0.00001.
gnomAD v4.1: 2 of 1,550,870 alleles (0.00013%); highest among the groups gnomAD compares: Admixed American, 0.002%; no homozygotes.

Submissions (2):

Ambry Genetics
Classification: Likely benign for Cardiovascular phenotype. Last evaluated: 2026-05-14. Review status: criteria provided, single submitter. Criteria: Ambry Variant Classification Scheme 2023. Collection method: clinical testing. Allele origin: germline.

Labcorp Genetics (formerly Invitae), Labcorp
Classification: Uncertain significance for Capillary malformation-arteriovenous malformation syndrome. Last evaluated: 2023-01-18. Review status: criteria provided, single submitter. Criteria: Invitae Variant Classification Sherloc (09022015). Collection method: clinical testing. Allele origin: germline.
Comment: This sequence change replaces glycine, which is neutral and non-polar, with arginine, which is basic and polar, at codon 7 of the RASA1 protein (p.Gly7Arg). In summary, the available evidence is currently insufficient to determine the role of this variant in disease. Therefore, it has been classified as a Variant of Uncertain Significance. Algorithms developed to predict the effect of missense changes on protein structure and function are either unavailable or do not agree on the potential impact of this missense change (SIFT: "Deleterious"; PolyPhen-2: "Probably Damaging"; Align-GVGD: "Class C0"). This variant has not been reported in the literature in individuals affected with RASA1-related conditions. This variant is present in population databases (no rsID available, gnomAD 0.008%).

NM_002890.3(RASA1):c.19G>C (p.Gly7Arg)

Gene: RASA1 (RAS p21 protein activator 1; plus strand). Cytogenetic location: 5q14.3.
Variant type: single nucleotide variant.
Coding change: c.19G>C on transcript NM_002890.3 (MANE Select); coding-DNA position 19, G replaced by C.
Protein change: p.Gly7Arg; replaces glycine 7 with arginine.
Molecular consequence: missense variant.
Genome position (GRCh38, 1-based): chr5:87,268,470, G>C. VCF-style: chr5-87268470-G-C. GRCh37 (hg19) VCF-style: chr5-86564287-G-C.
Other names: short protein forms G7R.
Identifiers: ClinVar variation 2919243 (VCV002919243.4), dbSNP rs1250999130, ClinGen allele CA360416618.